The following is an entry in ClinVar:

ClinVar aggregate classification (germline): Pathogenic. Review status: criteria provided, single submitter (1 of 4 stars). 2 submissions from 2 submitters: Pathogenic (1). 1 of the submissions does not count toward it. Last evaluated 2019-08-06.

Conditions:
Autosomal recessive multiple pterygium syndrome. Also called: PTERYGIUM COLLI SYNDROME; PTERYGIUM SYNDROME; PTERYGIUM UNIVERSALE; MULTIPLE PTERYGIUM SYNDROME, ESCOBAR VARIANT. Identifiers: Orphanet 2990, MedGen C0265261, MONDO:0009926, OMIM 265000.

Submissions (2):

Centre for Mendelian Genomics, University Medical Centre Ljubljana
Classification: Pathogenic for Autosomal recessive multiple pterygium syndrome. Last evaluated: 2019-08-06. Review status: criteria provided, single submitter. Criteria: ACMG Guidelines, 2015. Collection method: clinical testing. Allele origin: unknown. Affected: yes.
Comment: This variant was classified as: Pathogenic. The following ACMG criteria were applied in classifying this variant: PVS1,PM2,PM3.

Lupski Lab, Baylor-Hopkins CMG, Baylor College of Medicine
Classification: Pathogenic for Autosomal recessive multiple pterygium syndrome. Review status: no assertion criteria provided. Collection method: research. Allele origin: inherited. Inheritance: Autosomal recessive inheritance. Affected: yes. Observed: 3 variant alleles, 2 heterozygotes, 1 homozygote. Not counted in ClinVar's aggregate classification.

Literature cited by the submitters: PubMed 26752647 (cited by Lupski Lab, Baylor-Hopkins CMG, Baylor College of Medicine).

NM_005199.5(CHRNG):c.241C>T (p.Gln81Ter)

Gene: CHRNG (cholinergic receptor nicotinic gamma subunit; plus strand). Cytogenetic location: 2q37.1.
Variant type: single nucleotide variant.
Coding change: c.241C>T on transcript NM_005199.5 (MANE Select); coding-DNA position 241, C replaced by T.
Protein change: p.Gln81Ter; replaces glutamine 81 with a stop codon.
Molecular consequence: nonsense.
Genome position (GRCh38, 1-based): chr2:232,540,602, C>T. VCF-style: chr2-232540602-C-T. GRCh37 (hg19) VCF-style: chr2-233405312-C-T.
Other names: short protein forms Q81*.
Identifiers: ClinVar variation 816828 (VCV000816828.4), dbSNP rs1574643342, ClinGen allele CA351007367.